The following is an entry in ClinVar:

NM_000414.4(HSD17B4):c.2181G>C (p.Gln727His)

Gene: HSD17B4 (hydroxysteroid 17-beta dehydrogenase 4; plus strand). Cytogenetic location: 5q23.1.
Variant type: single nucleotide variant.
Coding change: c.2181G>C on transcript NM_000414.4 (MANE Select); coding-DNA position 2181, G replaced by C.
Protein change: p.Gln727His; replaces glutamine 727 with histidine.
Molecular consequence: missense variant. On other transcripts: non-coding transcript variant (2).
Genome position (GRCh38, 1-based): chr5:119,541,964, G>C. VCF-style: chr5-119541964-G-C. GRCh37 (hg19) VCF-style: chr5-118877659-G-C.
Other names: c.2256G>C, p.Gln752His (NM_001199291.3); c.2127G>C, p.Gln709His (NM_001199292.2); c.2109G>C, p.Gln703His (NM_001292027.2, NM_001374498.1); c.1761G>C, p.Gln587His (NM_001292028.2); c.2172G>C, p.Gln724His (NM_001374497.1); c.1854G>C, p.Gln618His (NM_001374499.1); c.1740G>C, p.Gln580His (NM_001374500.1); c.1770G>C, p.Gln590His (NM_001374501.1, NM_001374502.1, NM_001374503.1); and 1 more; short protein forms Q580H, Q590H, Q618H, Q703H, Q727H, Q752H, Q709H, Q587H.
Identifiers: ClinVar variation 1382015 (VCV001382015.6), dbSNP rs776945690, ClinGen allele CA3382538.
Genomic context (GRCh38, chr5:119,541,964, plus strand): 5'-GGCATTCTTTAGTGGCAGGCTGAAGGCCAGAGGGAACATCATGCTGAGCCAGAAACTTCA[G>C]ATGATTCTTAAAGACTACGCCAAGCTCTGAAGGGCACACTACACTATTAATAAAAATGGA-3'
Protein context (NP_000405.1, residues 717-736): RGNIMLSQKL[Gln727His]MILKDYAKL

ClinVar aggregate classification (germline): Uncertain significance. Review status: criteria provided, multiple submitters, no conflicts (2 of 4 stars). 2 submissions from 2 submitters: Uncertain significance (2). Last evaluated 2024-03-06.

Conditions:
Bifunctional peroxisomal enzyme deficiency (DBIF). Also called: PBFE DEFICIENCY; D-bifunctional protein deficiency; DBP DEFICIENCY. Identifiers: Orphanet 300, MedGen C0342870, MONDO:0009855, OMIM 261515. Disease mechanism: loss of function.
Perrault syndrome. Also called: Gonadal dysgenesis with auditory dysfunction, autosomal recessive inheritance. Identifiers: Orphanet 2855, MedGen C0685838, MONDO:0017312.

Allele frequency attached by ClinVar (database versions not stated): gnomAD exomes 0.00001 and 0.00002; ExAC 0.00002.
gnomAD v4.1: 6 of 1,612,984 alleles (0.00037%); highest among the groups gnomAD compares: Admixed American, 0.01%; no homozygotes.

Submissions (2):

GeneDx
Classification: Uncertain significance. Last evaluated: 2024-03-06. Review status: criteria provided, single submitter. Criteria: GeneDx Variant Classification Process June 2021. Collection method: clinical testing. Allele origin: germline. Affected: yes.
Comment: In silico analysis supports that this missense variant does not alter protein structure/function; Has not been previously published as pathogenic or benign to our knowledge

Labcorp Genetics (formerly Invitae), Labcorp
Classification: Uncertain significance for Perrault syndrome; Bifunctional peroxisomal enzyme deficiency. Last evaluated: 2022-08-06. Review status: criteria provided, single submitter. Criteria: Invitae Variant Classification Sherloc (09022015). Collection method: clinical testing. Allele origin: germline.
Comment: This variant has not been reported in the literature in individuals affected with HSD17B4-related conditions. This variant is present in population databases (rs776945690, gnomAD 0.02%). This sequence change replaces glutamine, which is neutral and polar, with histidine, which is basic and polar, at codon 727 of the HSD17B4 protein (p.Gln727His). In summary, the available evidence is currently insufficient to determine the role of this variant in disease. Therefore, it has been classified as a Variant of Uncertain Significance. Advanced modeling of protein sequence and biophysical properties (such as structural, functional, and spatial information, amino acid conservation, physicochemical variation, residue mobility, and thermodynamic stability) performed at Invitae indicates that this missense variant is not expected to disrupt HSD17B4 protein function. ClinVar contains an entry for this variant (Variation ID: 1382015).